The following is an entry in ClinVar:

NM_004252.5(NHERF1):c.71A>G (p.Tyr24Cys)

Genes: NHERF1 (NHERF family PDZ scaffold protein 1; plus strand), SLC9A3R1-AS1 (SLC9A3R1 antisense RNA 1; minus strand). Cytogenetic location: 17q25.1.
Variant type: single nucleotide variant.
Coding change: c.71A>G on transcript NM_004252.5 (MANE Select); coding-DNA position 71, A replaced by G.
Protein change: p.Tyr24Cys; replaces tyrosine 24 with cysteine.
Molecular consequence: missense variant. On other transcripts: non-coding transcript variant (1).
Genome position (GRCh38, 1-based): chr17:74,748,917, A>G. VCF-style: chr17-74748917-A-G. GRCh37 (hg19) VCF-style: chr17-72745056-A-G.
Other names: short protein forms Y24C.
Identifiers: ClinVar variation 2648228 (VCV002648228.24), dbSNP rs1216134173, ClinGen allele CA400935905.

ClinVar aggregate classification (germline): Uncertain significance (1 of 4 stars; one submission).

gnomAD v4.1: 1 of 1,601,544 alleles (0.000062%); highest among the groups gnomAD compares: Non-Finnish European, 0.000085%; no homozygotes.

Submission:

CeGaT Center for Human Genetics Tuebingen
Classification: Uncertain significance. Last evaluated: 2023-10-01. Review status: criteria provided, single submitter. Criteria: CeGaT Center For Human Genetics Tuebingen Variant Classification Criteria Version 2. Collection method: clinical testing. Allele origin: germline. Affected: yes. Observed: 1 variant allele.
Comment: NHERF1: PM2